The following is an entry in ClinVar:

NM_001330588.2(TPP2):c.3031A>G (p.Thr1011Ala)

Gene: TPP2 (tripeptidyl peptidase 2; plus strand). Cytogenetic location: 13q33.1.
Variant type: single nucleotide variant.
Coding change: c.3031A>G on transcript NM_001330588.2 (MANE Select); coding-DNA position 3031, A replaced by G.
Protein change: p.Thr1011Ala; replaces threonine 1011 with alanine.
Molecular consequence: missense variant. On other transcripts: non-coding transcript variant (1).
Genome position (GRCh38, 1-based): chr13:102,657,095, A>G. VCF-style: chr13-102657095-A-G. GRCh37 (hg19) VCF-style: chr13-103309445-A-G.
Other names: c.2992A>G, p.Thr998Ala (NM_001367947.1, NM_003291.4); short protein forms T1011A, T998A.
Identifiers: ClinVar variation 2082281 (VCV002082281.1), dbSNP rs769978404, ClinGen allele CA7038176.

ClinVar aggregate classification (germline): Uncertain significance (1 of 4 stars; one submission).

Conditions:
Evans syndrome, immunodeficiency, and premature immunosenescence associated with tripeptidyl-peptidase II deficiency. Identifiers: MedGen CN231723. Disease mechanism: loss of function.

Allele frequency attached by ClinVar (database versions not stated): gnomAD exomes 0.00001; ExAC 0.00002; gnomAD 0.00007; TOPMed 0.00007.
gnomAD v4.1: 18 of 1,589,750 alleles (0.0011%); highest among the groups gnomAD compares: African/African-American, 0.018%; no homozygotes.

Submission:

Labcorp Genetics (formerly Invitae), Labcorp
Classification: Uncertain significance for Evans syndrome, immunodeficiency, and premature immunosenescence associated with tripeptidyl-peptidase II deficiency. Last evaluated: 2022-02-25. Review status: criteria provided, single submitter. Criteria: Invitae Variant Classification Sherloc (09022015). Collection method: clinical testing. Allele origin: germline.
Comment: This sequence change replaces threonine, which is neutral and polar, with alanine, which is neutral and non-polar, at codon 998 of the TPP2 protein (p.Thr998Ala). This variant is present in population databases (rs769978404, gnomAD 0.03%). This variant has not been reported in the literature in individuals affected with TPP2-related conditions. Algorithms developed to predict the effect of missense changes on protein structure and function (SIFT, PolyPhen-2, Align-GVGD) all suggest that this variant is likely to be tolerated. In summary, the available evidence is currently insufficient to determine the role of this variant in disease. Therefore, it has been classified as a Variant of Uncertain Significance.